The following is an entry in ClinVar:

ClinVar aggregate classification (germline): Benign/Likely benign. Review status: criteria provided, multiple submitters, no conflicts (2 of 4 stars). 3 submissions from 3 submitters: Benign (1); Likely benign (2). Last evaluated 2026-09-01.

Allele frequency attached by ClinVar (database versions not stated): gnomAD exomes 0.00022 and 0.00040; ESP Exome Variant Server 0.00024; ExAC 0.00051.
gnomAD v4.1: 378 of 1,598,974 alleles (0.024%); highest among the groups gnomAD compares: Middle Eastern, 0.12%; 1 homozygote.

Submissions (3):

CeGaT Center for Human Genetics Tuebingen
Classification: Likely benign. Last evaluated: 2026-09-01. Review status: criteria provided, single submitter. Criteria: CeGaT Center For Human Genetics Tuebingen Variant Classification Criteria Version 2. Collection method: clinical testing. Allele origin: germline. Affected: yes. Observed: 4 variant alleles.
Comment: COL18A1: BP4

Labcorp Genetics (formerly Invitae), Labcorp
Classification: Benign. Last evaluated: 2025-12-30. Review status: criteria provided, single submitter. Criteria: Invitae Variant Classification Sherloc (09022015). Collection method: clinical testing. Allele origin: germline.

Blueprint Genetics
Classification: Likely benign. Last evaluated: 2024-10-11. Review status: criteria provided, single submitter. Criteria: ACMG Guidelines, 2015. Collection method: clinical testing. Allele origin: germline.

NM_001379500.1(COL18A1):c.3735C>T (p.Gly1245=)

Genes: COL18A1 (collagen type XVIII alpha 1 chain; plus strand), SLC19A1 (solute carrier family 19 member 1; minus strand). Cytogenetic location: 21q22.3.
Variant type: single nucleotide variant.
Coding change: c.3735C>T on transcript NM_001379500.1 (MANE Select); coding-DNA position 3735, C replaced by T.
Protein change: p.Gly1245=; no amino-acid change (glycine 1245 retained).
Molecular consequence: synonymous variant.
Genome position (GRCh38, 1-based): chr21:45,511,152, C>T. VCF-style: chr21-45511152-C-T. GRCh37 (hg19) VCF-style: chr21-46931066-C-T.
Other names: c.4266C>T, p.Gly1422= (NM_030582.4); c.4971C>T, p.Gly1657= (NM_130444.3).
Identifiers: ClinVar variation 809300 (VCV000809300.49), dbSNP rs368913533, ClinGen allele CA10068056.